The following is an entry in ClinVar:

NM_001035.3(RYR2):c.12732C>G (p.Ala4244=)

Genes: RYR2 (ryanodine receptor 2; plus strand), LOC126806068 (BRD4-independent group 4 enhancer GRCh37_chr1:237947411-237948610; plus strand). Cytogenetic location: 1q43.
Variant type: single nucleotide variant.
Coding change: c.12732C>G on transcript NM_001035.3 (MANE Select); coding-DNA position 12732, C replaced by G.
Protein change: p.Ala4244=; no amino-acid change (alanine 4244 retained).
Molecular consequence: synonymous variant.
Genome position (GRCh38, 1-based): chr1:237,784,444, C>G. VCF-style: chr1-237784444-C-G. GRCh37 (hg19) VCF-style: chr1-237947744-C-G.
Identifiers: ClinVar variation 763547 (VCV000763547.6), dbSNP rs767833620, ClinGen allele CA424032244.
Genomic context (GRCh38, chr1:237,784,444, plus strand): 5'-GAGGCCGGAAGAGCAGGGGCCGAGGATGGCTTTCTTCTCCATTCTGACGGTCAGGTCGGC[C>G]CTGTTTGCGCTCAGGTACAATATCTTGACCCTTATGCGAATGCTCAGTCTGAAGAGCCTG-3'
Protein context (NP_001026.2, residues 4234-4254): AFFSILTVRS[Ala4244=]LFALRYNILT

ClinVar aggregate classification (germline): Likely benign. Review status: criteria provided, multiple submitters, no conflicts (2 of 4 stars). 2 submissions from 2 submitters: Likely benign (2). Last evaluated 2025-01-23.

Conditions:
Catecholaminergic polymorphic ventricular tachycardia (CVPT). Also called: Catecholamine-induced polymorphic ventricular tachycardia. Identifiers: Orphanet 3286, MedGen C5574922, MONDO:0017990.
Catecholaminergic polymorphic ventricular tachycardia 1. Also called: VENTRICULAR TACHYCARDIA, STRESS-INDUCED POLYMORPHIC 1; VENTRICULAR TACHYCARDIA, CATECHOLAMINERGIC POLYMORPHIC, 1, WITH OR WITHOUT ATRIAL DYSFUNCTION AND/OR DILATED CARDIOMYOPATHY; RYR2-Related Catecholaminergic Polymorphic Ventricular Tachycardia. Identifiers: Orphanet 3286, MedGen C1631597, MONDO:0011484, OMIM 604772.

Submissions (2):

Labcorp Genetics (formerly Invitae), Labcorp
Classification: Likely benign for Catecholaminergic polymorphic ventricular tachycardia 1. Last evaluated: 2025-01-23. Review status: criteria provided, single submitter. Criteria: Invitae Variant Classification Sherloc (09022015). Collection method: clinical testing. Allele origin: germline.

All of Us Research Program, National Institutes of Health
Classification: Likely benign for Catecholaminergic polymorphic ventricular tachycardia. Last evaluated: 2024-08-23. Review status: criteria provided, single submitter. Criteria: ACMG Guidelines, 2015. Collection method: clinical testing. Allele origin: germline. Inheritance: Autosomal dominant inheritance. Observed: 1 variant allele, 1 heterozygote.
Comment: This study involves interpretation of variants in research participants for the purpose of population health screening. Participant phenotype was not available at the time of variant classification. Additional details can be found in publication PMID: 35346344, PMCID: PMC8962531